The following is an entry in ClinVar:

ClinVar aggregate classification (germline): Uncertain significance. Review status: criteria provided, multiple submitters, no conflicts (2 of 4 stars). 2 submissions from 2 submitters: Uncertain significance (2). Last evaluated 2023-02-09.

Conditions:
Hajdu-Cheney syndrome (HJCYS). Also called: ACROOSTEOLYSIS WITH OSTEOPOROSIS AND CHANGES IN SKULL AND MANDIBLE; Acroosteolysis dominant type; SERPENTINE FIBULA-POLYCYSTIC KIDNEY SYNDROME. Identifiers: Orphanet 955, MedGen C0917715, MONDO:0007057, OMIM 102500.

gnomAD v4.1: 5 of 1,614,222 alleles (0.00031%); highest among the groups gnomAD compares: Non-Finnish European, 0.00042%; no homozygotes.

Submissions (2):

Labcorp Genetics (formerly Invitae), Labcorp
Classification: Uncertain significance for Hajdu-Cheney syndrome. Last evaluated: 2023-02-09. Review status: criteria provided, single submitter. Criteria: Invitae Variant Classification Sherloc (09022015). Collection method: clinical testing. Allele origin: germline.
Comment: This sequence change replaces alanine, which is neutral and non-polar, with aspartic acid, which is acidic and polar, at codon 2178 of the NOTCH2 protein (p.Ala2178Asp). This variant is not present in population databases (gnomAD no frequency). This variant has not been reported in the literature in individuals affected with NOTCH2-related conditions. ClinVar contains an entry for this variant (Variation ID: 1310056). Advanced modeling of protein sequence and biophysical properties (such as structural, functional, and spatial information, amino acid conservation, physicochemical variation, residue mobility, and thermodynamic stability) performed at Invitae indicates that this missense variant is not expected to disrupt NOTCH2 protein function. In summary, the available evidence is currently insufficient to determine the role of this variant in disease. Therefore, it has been classified as a Variant of Uncertain Significance.

GeneDx
Classification: Uncertain significance. Last evaluated: 2019-11-18. Review status: criteria provided, single submitter. Criteria: GeneDx Variant Classification Process June 2021. Collection method: clinical testing. Allele origin: germline. Affected: yes.
Comment: Not observed in large population cohorts (Lek et al., 2016); In silico analysis, which includes protein predictors and evolutionary conservation, supports that this variant does not alter protein structure/function; Has not been previously published as pathogenic or benign to our knowledge

NM_024408.4(NOTCH2):c.6533C>A (p.Ala2178Asp)

Gene: NOTCH2 (notch receptor 2; minus strand). Cytogenetic location: 1p12.
Variant type: single nucleotide variant.
Coding change: c.6533C>A on transcript NM_024408.4 (MANE Select); coding-DNA position 6533, C replaced by A.
Protein change: p.Ala2178Asp; replaces alanine 2178 with aspartic acid.
Molecular consequence: missense variant.
Genome position (GRCh38, 1-based): chr1:119,916,189, G>T on the plus strand (C>A on the coding strand, the complement: NOTCH2 is on the minus strand). VCF-style: chr1-119916189-G-T. GRCh37 (hg19) VCF-style: chr1-120458812-G-T.
Other names: short protein forms A2178D.
Identifiers: ClinVar variation 1310056 (VCV001310056.5), dbSNP rs770234870, ClinGen allele CA341877660.